The following is an entry in ClinVar:

ClinVar aggregate classification (germline): Uncertain significance. Review status: criteria provided, multiple submitters, no conflicts (2 of 4 stars). 2 submissions from 2 submitters: Uncertain significance (2). Last evaluated 2024-06-21.

Conditions:
Hereditary nonpolyposis colorectal neoplasms. Identifiers: MedGen C0009405, MeSH D003123.
Hereditary cancer-predisposing syndrome. Also called: Tumor predisposition; Neoplastic Syndromes, Hereditary; Hereditary Cancer Syndrome; Hereditary neoplastic syndrome. Identifiers: Orphanet 140162, MedGen C0027672, MeSH D009386, MONDO:0015356.

Submissions (2):

Ambry Genetics
Classification: Uncertain significance for Hereditary cancer-predisposing syndrome. Last evaluated: 2024-06-21. Review status: criteria provided, single submitter. Criteria: Ambry Variant Classification Scheme 2023. Collection method: clinical testing. Allele origin: germline.
Comment: The p.L539I variant (also known as c.1615C>A), located in coding exon 4 of the MSH6 gene, results from a C to A substitution at nucleotide position 1615. The leucine at codon 539 is replaced by isoleucine, an amino acid with highly similar properties. This amino acid position is conserved. In addition, the in silico prediction for this alteration is inconclusive. Based on the available evidence, the clinical significance of this variant remains unclear.

Labcorp Genetics (formerly Invitae), Labcorp
Classification: Uncertain significance for Hereditary nonpolyposis colorectal neoplasms. Last evaluated: 2022-06-27. Review status: criteria provided, single submitter. Criteria: Invitae Variant Classification Sherloc (09022015). Collection method: clinical testing. Allele origin: germline.
Comment: In summary, the available evidence is currently insufficient to determine the role of this variant in disease. Therefore, it has been classified as a Variant of Uncertain Significance. Algorithms developed to predict the effect of missense changes on protein structure and function are either unavailable or do not agree on the potential impact of this missense change (SIFT: "Deleterious"; PolyPhen-2: "Probably Damaging"; Align-GVGD: "Class C0"). This variant has not been reported in the literature in individuals affected with MSH6-related conditions. This variant is not present in population databases (gnomAD no frequency). This sequence change replaces leucine, which is neutral and non-polar, with isoleucine, which is neutral and non-polar, at codon 539 of the MSH6 protein (p.Leu539Ile).

NM_000179.3(MSH6):c.1615C>A (p.Leu539Ile)

Gene: MSH6 (mutS homolog 6; plus strand). Cytogenetic location: 2p16.3.
Variant type: single nucleotide variant.
Coding change: c.1615C>A on transcript NM_000179.3 (MANE Select); coding-DNA position 1615, C replaced by A.
Protein change: p.Leu539Ile; replaces leucine 539 with isoleucine.
Molecular consequence: missense variant.
Genome position (GRCh38, 1-based): chr2:47,799,598, C>A. VCF-style: chr2-47799598-C-A. GRCh37 (hg19) VCF-style: chr2-48026737-C-A.
Other names: c.1225C>A, p.Leu409Ile (NM_001281492.2); c.709C>A, p.Leu237Ile (NM_001281493.2, NM_001281494.2, NM_001406811.1 and 6 more transcripts); c.1711C>A, p.Leu571Ile (NM_001406795.1, NM_001406802.1); c.1615C>A, p.Leu539Ile (NM_001406796.1, NM_001406798.1, NM_001406800.1 and 3 more transcripts); c.1318C>A, p.Leu440Ile (NM_001406797.1, NM_001406801.1, NM_001406805.1 and 10 more transcripts); c.1090C>A, p.Leu364Ile (NM_001406799.1, NM_001406806.1, NM_001406807.1); c.1537C>A, p.Leu513Ile (NM_001406804.1); c.1621C>A, p.Leu541Ile (NM_001406813.1); and 1 more; short protein forms L440I, L513I, L539I, L409I, L237I, L364I, L483I, L541I.
Identifiers: ClinVar variation 2011290 (VCV002011290.5), dbSNP rs1553412999, ClinGen allele CA346747038.
Genomic context (GRCh38, chr2:47,799,598, plus strand): 5'-AAGGGTACACAGACTTACAGTGTGCTGGAAGGTGATCCCTCTGAGAACTACAGTAAGTAT[C>A]TTCTTAGCCTCAAAGAAAAAGAGGAAGATTCTTCTGGCCATACTCGTGCATATGGTGTGT-3'
Protein context (NP_000170.1, residues 529-549): GDPSENYSKY[Leu539Ile]LSLKEKEEDS